The following is an entry in ClinVar:

ClinVar aggregate classification (germline): Likely benign (0 of 4 stars; one submission).

Conditions:
DHX16-related disorder. Also called: DHX16-related condition.

Allele frequency attached by ClinVar (database versions not stated): ExAC 0.00035; gnomAD exomes 0.00041; gnomAD 0.00176; 1000 Genomes Project 0.00200; 1000 Genomes Project 30x 0.00203; TOPMed 0.00227.
gnomAD v4.1: 514 of 717,870 alleles (0.072%); highest among the groups gnomAD compares: African/African-American, 0.56%; 1 homozygote.

Submission:

PreventionGenetics, part of Exact Sciences
Classification: Likely benign for DHX16-related condition. Last evaluated: 2019-12-12. Review status: no assertion criteria provided. Collection method: clinical testing. Allele origin: germline.
Comment: This variant is classified as likely benign based on ACMG/AMP sequence variant interpretation guidelines (Richards et al. 2015 PMID: 25741868, with internal and published modifications).

NM_003587.5(DHX16):c.1544+819A>G

Gene: DHX16 (DEAH-box helicase 16; minus strand). Cytogenetic location: 6p21.33.
Variant type: single nucleotide variant.
Coding change: c.1544+819A>G on transcript NM_003587.5 (MANE Select); 819 bases into the intron after coding-DNA position 1544, A replaced by G.
Molecular consequence: intron variant. On other transcripts: missense variant (1).
Genome position (GRCh38, 1-based): chr6:30,661,808, T>C on the plus strand (A>G on the coding strand, the complement: DHX16 is on the minus strand). VCF-style: chr6-30661808-T-C. GRCh37 (hg19) VCF-style: chr6-30629585-T-C.
Other names: c.49A>G, p.Ile17Val (NM_001363515.2); c.1364+819A>G (NM_001164239.2); short protein forms I17V.
Identifiers: ClinVar variation 3044519 (VCV003044519.2), dbSNP rs150626426, ClinGen allele CA3701189.